The following is an entry in ClinVar:

ClinVar aggregate classification (germline): Uncertain significance (1 of 4 stars; one submission).

Conditions:
Pitt-Hopkins syndrome (PTHS). Also called: ENCEPHALOPATHY, SEVERE EPILEPTIC, WITH AUTONOMIC DYSFUNCTION; MENTAL RETARDATION, SYNDROMAL, WITH INTERMITTENT HYPERVENTILATION. Identifiers: Orphanet 2896, MedGen C1970431, MONDO:0012589, OMIM 610954.

Allele frequency attached by ClinVar (database versions not stated): TOPMed 0.00002.

Submission:

Labcorp Genetics (formerly Invitae), Labcorp
Classification: Uncertain significance for Pitt-Hopkins syndrome. Last evaluated: 2023-02-14. Review status: criteria provided, single submitter. Criteria: Invitae Variant Classification Sherloc (09022015). Collection method: clinical testing. Allele origin: germline.
Comment: In summary, the available evidence is currently insufficient to determine the role of this variant in disease. Therefore, it has been classified as a Variant of Uncertain Significance. Advanced modeling of protein sequence and biophysical properties (such as structural, functional, and spatial information, amino acid conservation, physicochemical variation, residue mobility, and thermodynamic stability) performed at Invitae indicates that this missense variant is not expected to disrupt TCF4 protein function. This variant has not been reported in the literature in individuals affected with TCF4-related conditions. This variant is not present in population databases (gnomAD no frequency). This sequence change replaces isoleucine, which is neutral and non-polar, with valine, which is neutral and non-polar, at codon 273 of the TCF4 protein (p.Ile273Val).

NM_001083962.2(TCF4):c.817A>G (p.Ile273Val)

Genes: TCF4 (transcription factor 4; minus strand), LOC126862757 (CDK7 strongly-dependent group 2 enhancer GRCh37_chr18:52936433-52937632; plus strand). Cytogenetic location: 18q21.2.
Variant type: single nucleotide variant.
Coding change: c.817A>G on transcript NM_001083962.2 (MANE Select); coding-DNA position 817, A replaced by G.
Protein change: p.Ile273Val; replaces isoleucine 273 with valine.
Molecular consequence: missense variant.
Genome position (GRCh38, 1-based): chr18:55,269,936, T>C on the plus strand (A>G on the coding strand, the complement: TCF4 is on the minus strand). VCF-style: chr18-55269936-T-C. GRCh37 (hg19) VCF-style: chr18-52937167-T-C.
Other names: c.427A>G, p.Ile143Val (NM_001330605.3, NM_001348212.2, NM_001348213.2 and 1 more transcripts); c.691A>G, p.Ile231Val (NM_001348211.2, NM_001243231.2); c.337A>G, p.Ile113Val (NM_001348214.2, NM_001348216.2, NM_001243234.2 and 2 more transcripts); c.169A>G, p.Ile57Val (NM_001348215.2); c.745A>G, p.Ile249Val (NM_001348217.1, NM_001348218.2, NM_001348219.2 and 9 more transcripts); c.742A>G, p.Ile248Val (NM_001369576.1, NM_001369578.1, NM_001369581.1 and 3 more transcripts); c.1123A>G, p.Ile375Val (NM_001243226.3); c.835A>G, p.Ile279Val (NM_001243228.2); and 4 more; short protein forms I202V, I271V, I143V, I231V, I249V, I272V, I57V, I273V.
Identifiers: ClinVar variation 2900433 (VCV002900433.3), dbSNP rs2059990935, ClinGen allele CA402701312.